The following is an entry in ClinVar:

NM_016333.4(SRRM2):c.6457G>A (p.Gly2153Ser)

Gene: SRRM2 (serine/arginine repetitive matrix 2; plus strand). Cytogenetic location: 16p13.3.
Variant type: single nucleotide variant.
Coding change: c.6457G>A on transcript NM_016333.4 (MANE Select); coding-DNA position 6457, G replaced by A.
Protein change: p.Gly2153Ser; replaces glycine 2153 with serine.
Molecular consequence: missense variant.
Genome position (GRCh38, 1-based): chr16:2,766,985, G>A. VCF-style: chr16-2766985-G-A. GRCh37 (hg19) VCF-style: chr16-2816986-G-A.
Other names: short protein forms G2153S.
Identifiers: ClinVar variation 4883179 (VCV004883179.2).

ClinVar aggregate classification (germline): Uncertain significance (1 of 4 stars; one submission).

gnomAD v4.1: 38 of 1,613,934 alleles (0.0024%); highest among the groups gnomAD compares: Middle Eastern, 0.033%; no homozygotes.

Submission:

Dasa
Classification: Uncertain significance. Last evaluated: 2025-12-30. Review status: criteria provided, single submitter. Criteria: DASA Assertion Criteria. Collection method: clinical testing. Allele origin: germline.
Comment: NM_016333.4(SRRM2):c.6457G>A (p.Gly2153Ser) is a missense variant that results in the substitution of glycine with serine. This variant is rare in population databases. Computational prediction algorithms are consistent with a benign effect. The currently available literature and clinical evidence are not sufficient to establish a definitive association between this variant and the reported condition. Therefore, this variant is classified as a variant of uncertain significance.